The following is an entry in ClinVar:

ClinVar aggregate classification (germline): Benign/Likely benign. Review status: criteria provided, multiple submitters, no conflicts (2 of 4 stars). 7 submissions from 7 submitters: Benign (5); Likely benign (1). 1 of the submissions does not count toward it. Last evaluated 2026-01-28.

Conditions:
OTOA-related disorder. Also called: OTOA-related condition.

Allele frequency attached by ClinVar (database versions not stated): gnomAD exomes 0.00018 and 0.00060; ESP Exome Variant Server 0.00023; gnomAD 0.00027 and 0.00036; TOPMed 0.00032; ExAC 0.00066; 1000 Genomes Project 30x 0.00203; 1000 Genomes Project 0.00220.
gnomAD v4.1: 345 of 1,614,104 alleles (0.021%); highest among the groups gnomAD compares: East Asian, 0.43%; 2 homozygotes.

Submissions (7):

Labcorp Genetics (formerly Invitae), Labcorp
Classification: Benign. Last evaluated: 2026-01-28. Review status: criteria provided, single submitter. Criteria: Invitae Variant Classification Sherloc (09022015). Collection method: clinical testing. Allele origin: germline.

Blueprint Genetics
Classification: Likely benign. Last evaluated: 2024-09-16. Review status: criteria provided, single submitter. Criteria: ACMG Guidelines, 2015. Collection method: clinical testing. Allele origin: germline.

Athena Diagnostics
Classification: Benign. Last evaluated: 2019-10-24. Review status: criteria provided, single submitter. Criteria: Athena Diagnostics Criteria. Collection method: clinical testing. Allele origin: unknown.

GeneDx
Classification: Benign. Last evaluated: 2018-10-17. Review status: criteria provided, single submitter. Criteria: GeneDx Variant Classification Process June 2021. Collection method: clinical testing. Allele origin: germline. Affected: yes.

Eurofins Ntd Llc (ga)
Classification: Benign. Last evaluated: 2016-08-26. Review status: criteria provided, single submitter. Criteria: EGL Classification Definitions 2015. Collection method: clinical testing. Allele origin: germline. Observed: 1 variant allele, 1 heterozygote.

Laboratory for Molecular Medicine, Mass General Brigham Personalized Medicine
Classification: Benign. Last evaluated: 2016-06-20. Review status: criteria provided, single submitter. Criteria: LMM Criteria. Collection method: clinical testing. Allele origin: germline. Observed: 2 variant alleles.
Comment: p.Ala307Ala in exon 10 of OTOA: This variant is not expected to have clinical si gnificance because it does not alter an amino acid residue and is not located wi thin the splice consensus sequence. It has been identified in 0.7% (63/8630) of South Asian chromosomes by the Exome Aggregation Consortium (ExAC; dbSNP rs12051473).

PreventionGenetics, part of Exact Sciences
Classification: Likely benign for OTOA-related condition. Last evaluated: 2019-03-09. Review status: no assertion criteria provided. Collection method: clinical testing. Allele origin: germline. Not counted in ClinVar's aggregate classification.
Comment: This variant is classified as likely benign based on ACMG/AMP sequence variant interpretation guidelines (Richards et al. 2015 PMID: 25741868, with internal and published modifications).

NM_144672.4(OTOA):c.921G>A (p.Ala307=)

Gene: OTOA (otoancorin). Cytogenetic location: 16p12.2.
Variant type: single nucleotide variant.
Coding change: c.921G>A on transcript NM_144672.4 (MANE Select); coding-DNA position 921, G replaced by A.
Protein change: p.Ala307=; no amino-acid change (alanine 307 retained).
Molecular consequence: synonymous variant.
Genome position (GRCh38, 1-based): chr16:21,700,968, G>A. VCF-style: chr16-21700968-G-A. GRCh37 (hg19) VCF-style: chr16-21712289-G-A.
Other names: c.684G>A, p.Ala228= (NM_001161683.2).
Identifiers: ClinVar variation 290810 (VCV000290810.22), dbSNP rs12051473, ClinGen allele CA7952463.